The following is an entry in ClinVar:

NM_001012759.3(CTU2):c.1479-10_1479-9del

Gene: CTU2 (cytosolic thiouridylase subunit 2; plus strand). Cytogenetic location: 16q24.3.
Variant type: Deletion.
Coding change: c.1479-10_1479-9del on transcript NM_001012759.3 (MANE Select); 10 bases into the intron before coding-DNA position 1479 through 9 bases into the intron before coding-DNA position 1479, 2 bases deleted (TT; older notation c.1479-10_1479-9delTT).
Molecular consequence: intron variant.
Genome position (GRCh38, 1-based): chr16:88,715,172-88,715,173, TT deleted; deleting any 2 consecutive bases within chr16:88,715,171-88,715,173 gives the same sequence; the c. name uses the placement nearest the transcript's 3' end. VCF-style (leftmost placement, unchanged base first): chr16-88715170-CTT-C. GRCh37 (hg19) VCF-style: chr16-88781578-CTT-C.
Other names: c.1692-10_1692-9del (NM_001318507.2); c.1420-10_1420-9del (NM_001012762.3); c.1218-10_1218-9del (NM_001318513.2).
Identifiers: ClinVar variation 4773066 (VCV004773066.1).
Genomic context (GRCh38, chr16:88,715,170, plus strand): 5'-CTGGGGCCCACACTGCCGTGGCGCGTGGGTAAGGGGCCTCGGGGCTGGTGCCCACTGCAG[CTT>C]TCTCTCTAGGGCCTGGGGCTTGCAGGAGATCCGGGACTGTCTGATTGAGGACAGTGACGA-3'

ClinVar aggregate classification (germline): Uncertain significance (1 of 4 stars; one submission).

Submission:

Labcorp Genetics (formerly Invitae), Labcorp
Classification: Uncertain significance. Last evaluated: 2025-10-06. Review status: criteria provided, single submitter. Criteria: Invitae Variant Classification Sherloc (09022015). Collection method: clinical testing. Allele origin: germline.
Comment: This sequence change falls in intron 14 of the CTU2 gene. It does not directly change the encoded amino acid sequence of the CTU2 protein. This variant is not present in population databases (gnomAD no frequency). This variant has not been reported in the literature in individuals affected with CTU2-related conditions. Algorithms developed to predict the effect of sequence changes on RNA splicing suggest that this variant may disrupt the consensus splice site. In summary, the available evidence is currently insufficient to determine the role of this variant in disease. Therefore, it has been classified as a Variant of Uncertain Significance.